The following is an entry in ClinVar:

ClinVar aggregate classification (germline): Conflicting classifications of pathogenicity. Review status: criteria provided, conflicting classifications (1 of 4 stars). 3 submissions from 3 submitters: Uncertain significance (1); Likely benign (2). Last evaluated 2025-12-17.

Allele frequency attached by ClinVar (database versions not stated): gnomAD exomes 0.00002 and 0.00008; ExAC 0.00012; gnomAD 0.00022 and 0.00024; ESP Exome Variant Server 0.00031; TOPMed 0.00033; 1000 Genomes Project 0.00040; 1000 Genomes Project 30x 0.00047.
gnomAD v4.1: 66 of 1,567,888 alleles (0.0042%); highest among the groups gnomAD compares: African/African-American, 0.073%; no homozygotes.

Submissions (3):

Labcorp Genetics (formerly Invitae), Labcorp
Classification: Likely benign. Last evaluated: 2025-12-17. Review status: criteria provided, single submitter. Criteria: Invitae Variant Classification Sherloc (09022015). Collection method: clinical testing. Allele origin: germline.

GeneDx
Classification: Uncertain significance. Last evaluated: 2024-12-19. Review status: criteria provided, single submitter. Criteria: GeneDx Variant Classification Process June 2021. Collection method: clinical testing. Allele origin: germline. Affected: yes.
Comment: Has not been previously published as pathogenic or benign to our knowledge; In silico analysis is inconclusive as to whether the variant alters gene splicing. In the absence of RNA/functional studies, the actual effect of this sequence change is unknown.

Breakthrough Genomics
Classification: Likely benign. Review status: criteria provided, single submitter. Criteria: ACMG Guidelines, 2015. Collection method: not provided. Allele origin: germline. Inheritance: Autosomal recessive inheritance. Affected: yes.

NM_001042472.3(ABHD12):c.788-11T>G

Gene: ABHD12 (abhydrolase domain containing 12, lysophospholipase; minus strand). Cytogenetic location: 20p11.21.
Variant type: single nucleotide variant.
Coding change: c.788-11T>G on transcript NM_001042472.3 (MANE Select); 11 bases into the intron before coding-DNA position 788, T replaced by G.
Molecular consequence: intron variant.
Genome position (GRCh38, 1-based): chr20:25,308,056, A>C on the plus strand (T>G on the coding strand, the complement: ABHD12 is on the minus strand). VCF-style: chr20-25308056-A-C. GRCh37 (hg19) VCF-style: chr20-25288692-A-C.
Other names: c.788-11T>G (NM_015600.5).
Identifiers: ClinVar variation 1113708 (VCV001113708.12), dbSNP rs376242128, ClinGen allele CA9795977.